The following is an entry in ClinVar:

NM_144687.4(NLRP12):c.1732_1733del (p.Cys580fs)

Gene: NLRP12 (NLR family pyrin domain containing 12; minus strand). Cytogenetic location: 19q13.42.
Variant type: Microsatellite.
Coding change: c.1732_1733del on transcript NM_144687.4 (MANE Select); coding-DNA positions 1732 to 1733, 2 bases deleted (AG; older notation c.1732_1733delAG).
Protein change: p.Cys580fs; shifts the reading frame from cysteine 580.
Molecular consequence: frameshift variant.
Genome position (GRCh38, 1-based): chr19:53,809,926-53,809,927, CT deleted on the plus strand (AG on the coding strand, the reverse complement: NLRP12 is on the minus strand); deleting any 2 consecutive bases within chr19:53,809,926-53,809,929 gives the same sequence; the c. name uses the placement nearest the transcript's 3' end. VCF-style (leftmost placement, unchanged base first): chr19-53809925-ACT-A. GRCh37 (hg19) VCF-style: chr19-54313179-ACT-A.
Other names: c.1732_1733del, p.Cys580fs (NM_001277126.2, NM_001277129.1); c.1732_1733del (NM_144687.2); short protein forms C580fs.
Identifiers: ClinVar variation 5017103 (VCV005017103.1), dbSNP rs1568677542.

ClinVar aggregate classification (germline): Uncertain significance (1 of 4 stars; one submission).

Submission:

GeneDx
Classification: Uncertain significance. Last evaluated: 2026-03-26. Review status: criteria provided, single submitter. Criteria: GeneDx Variant Classification Process June 2021. Collection method: clinical testing. Allele origin: germline.
Comment: Not observed at significant frequency in large population cohorts (gnomAD); Frameshift variant predicted to result in protein truncation or nonsense mediated decay in a gene or region of a gene for which loss of function is not a well-established mechanism of disease; Has not been previously published as pathogenic or benign to our knowledge